The following is an entry in ClinVar:

NM_002880.4(RAF1):c.171T>C (p.Thr57=)

Gene: RAF1 (Raf-1 proto-oncogene, serine/threonine kinase; minus strand). Cytogenetic location: 3p25.2.
Variant type: single nucleotide variant.
Coding change: c.171T>C on transcript NM_002880.4 (MANE Select); coding-DNA position 171, T replaced by C.
Protein change: p.Thr57=; no amino-acid change (threonine 57 retained).
Molecular consequence: synonymous variant. On other transcripts: missense variant (4), non-coding transcript variant (3).
Genome position (GRCh38, 1-based): chr3:12,618,551, A>G on the plus strand (T>C on the coding strand, the complement: RAF1 is on the minus strand). VCF-style: chr3-12618551-A-G. GRCh37 (hg19) VCF-style: chr3-12660050-A-G.
Other names: c.171T>C, p.Thr57= (NM_001354689.3, NM_001354690.3, NM_001354693.3); c.41T>C, p.Leu14Pro (NM_001354691.3, NM_001354692.3, NM_001354694.3 and 1 more transcripts); short protein forms L14P.
Identifiers: ClinVar variation 227886 (VCV000227886.26), dbSNP rs751571550, ClinGen allele CA2259827.

ClinVar aggregate classification (germline): Likely benign. Review status: criteria provided, multiple submitters, no conflicts (2 of 4 stars). 6 submissions from 6 submitters: Likely benign (6). Last evaluated 2025-10-16.

Conditions:
Cardiovascular phenotype. Identifiers: MedGen CN230736.
RASopathy. Also called: rasopathies; Noonan spectrum disorder. Identifiers: Orphanet 536391, MedGen C5555857, MONDO:0021060.

Allele frequency attached by ClinVar (database versions not stated): gnomAD 0.00001; gnomAD exomes 0.00002 and 0.00004; ExAC 0.00004.
gnomAD v4.1: 32 of 1,614,254 alleles (0.002%); highest among the groups gnomAD compares: Middle Eastern, 0.017%; no homozygotes.

Submissions (6):

Labcorp Genetics (formerly Invitae), Labcorp
Classification: Likely benign for RASopathy. Last evaluated: 2025-10-16. Review status: criteria provided, single submitter. Criteria: Invitae Variant Classification Sherloc (09022015). Collection method: clinical testing. Allele origin: germline.

CeGaT Center for Human Genetics Tuebingen
Classification: Likely benign. Last evaluated: 2024-12-01. Review status: criteria provided, single submitter. Criteria: CeGaT Center For Human Genetics Tuebingen Variant Classification Criteria Version 2. Collection method: clinical testing. Allele origin: germline. Affected: yes. Observed: 1 variant allele.
Comment: RAF1: BS2

Blueprint Genetics
Classification: Likely benign. Last evaluated: 2023-05-30. Review status: criteria provided, single submitter. Criteria: ACMG Guidelines, 2015. Collection method: clinical testing. Allele origin: germline.

Ambry Genetics
Classification: Likely benign for Cardiovascular phenotype. Last evaluated: 2021-02-23. Review status: criteria provided, single submitter. Criteria: Ambry Variant Classification Scheme 2023. Collection method: clinical testing. Allele origin: germline.

GeneDx
Classification: Likely benign. Last evaluated: 2021-02-16. Review status: criteria provided, single submitter. Criteria: GeneDx Variant Classification Process June 2021. Collection method: clinical testing. Allele origin: germline. Affected: yes.

Laboratory for Molecular Medicine, Mass General Brigham Personalized Medicine
Classification: Likely benign. Last evaluated: 2016-01-26. Review status: criteria provided, single submitter. Criteria: LMM Criteria. Collection method: clinical testing. Allele origin: germline. Observed: 1 variant allele.
Comment: p.Thr57Thr in exon 2 of RAF1: This variant is not expected to have clinical sign ificance because it does not alter an amino acid residue and is not located with in the splice consensus sequence. It has been identified in 4/66734 European chr omosomes by the Exome Aggregation Consortium (ExAC, rg; dbSNP rs751571550).